The following is an entry in ClinVar:

NC_000023.10:g.(?_103045435)_(103045526_?)dup

Gene: PLP1 (proteolipid protein 1; plus strand). Cytogenetic location: Xq22.2.
Variant type: Duplication.
Identifiers: ClinVar variation 3244227 (VCV003244227.1).

ClinVar aggregate classification (germline): Uncertain significance (1 of 4 stars; one submission).

Conditions:
Hereditary spastic paraplegia 2 (SPG2). Also called: SPASTIC PARAPLEGIA 2, X-LINKED; Spastic Paraplegia 2 (SPG2). Identifiers: Orphanet 99015, MedGen C0751604, MONDO:0010733, OMIM 312920.

Submission:

Labcorp Genetics (formerly Invitae), Labcorp
Classification: Uncertain significance for Hereditary spastic paraplegia 2. Last evaluated: 2023-03-27. Review status: criteria provided, single submitter. Criteria: Invitae Variant Classification Sherloc (09022015). Collection method: clinical testing. Allele origin: unknown.
Comment: In summary, the available evidence is currently insufficient to determine the role of this variant in disease. Therefore, it has been classified as a Variant of Uncertain Significance. Experimental studies and prediction algorithms are not available or were not evaluated, and the functional significance of this variant is currently unknown. This variant has not been reported in the literature in individuals affected with PLP1-related conditions. This variant results in a copy number gain of the genomic region encompassing exon(s) 7 of the PLP1 gene. This region includes the termination codon of the gene. This copy number gain extends beyond the assayed region for this gene and therefore may encompass additional genes. As the precise location of this event is unknown, it may be in tandem or it may be located elsewhere in the genome.